The following is an entry in ClinVar:

NM_001042492.3(NF1):c.288+10T>A

Gene: NF1 (neurofibromin 1; plus strand). Cytogenetic location: 17q11.2.
Variant type: single nucleotide variant.
Coding change: c.288+10T>A on transcript NM_001042492.3 (MANE Select); 10 bases into the intron after coding-DNA position 288, T replaced by A.
Molecular consequence: intron variant.
Genome position (GRCh38, 1-based): chr17:31,159,103, T>A. VCF-style: chr17-31159103-T-A. GRCh37 (hg19) VCF-style: chr17-29486121-T-A.
Other names: c.288+10T>A (NM_000267.4, NM_001128147.3).
Identifiers: ClinVar variation 1088213 (VCV001088213.8), dbSNP rs1364620059, ClinGen allele CA2499223977.

ClinVar aggregate classification (germline): Likely benign. Review status: criteria provided, multiple submitters, no conflicts (2 of 4 stars). 2 submissions from 2 submitters: Likely benign (2). Last evaluated 2026-09-22.

Conditions:
Neurofibromatosis, type 1 (NF1). Also called: Neurofibromatosis, type I; VON RECKLINGHAUSEN DISEASE; Peripheral type neurofibromatosis; NEUROFIBROMATOSIS, TYPE I, SOMATIC. Identifiers: Orphanet 636, MedGen C0027831, MONDO:0018975, OMIM 162200. Disease mechanism: loss of function.

Submissions (2):

Myriad Genetics, Inc.
Classification: Likely benign for Neurofibromatosis, type 1. Last evaluated: 2026-09-22. Review status: criteria provided, single submitter. Criteria: Myriad Autosomal Dominant, Autosomal Recessive and X-Linked Classification Criteria (2023). Collection method: clinical testing. Allele origin: unknown.
Comment: This variant is considered likely benign. This variant is intronic and is not expected to impact mRNA splicing.

Labcorp Genetics (formerly Invitae), Labcorp
Classification: Likely benign for Neurofibromatosis, type 1. Last evaluated: 2024-03-29. Review status: criteria provided, single submitter. Criteria: Invitae Variant Classification Sherloc (09022015). Collection method: clinical testing. Allele origin: germline.